The following is an entry in ClinVar:

NM_006767.4(LZTR1):c.139C>T (p.Pro47Ser)

Gene: LZTR1 (leucine zipper like post translational regulator 1; plus strand). Cytogenetic location: 22q11.21.
Variant type: single nucleotide variant.
Coding change: c.139C>T on transcript NM_006767.4 (MANE Select); coding-DNA position 139, C replaced by T.
Protein change: p.Pro47Ser; replaces proline 47 with serine.
Molecular consequence: missense variant.
Genome position (GRCh38, 1-based): chr22:20,982,510, C>T. VCF-style: chr22-20982510-C-T. GRCh37 (hg19) VCF-style: chr22-21336799-C-T.
Other names: short protein forms P47S.
Identifiers: ClinVar variation 1771724 (VCV001771724.2), dbSNP rs2518607882, ClinGen allele CA410777898.

ClinVar aggregate classification (germline): Uncertain significance (1 of 4 stars; one submission).

Conditions:
Cardiovascular phenotype. Identifiers: MedGen CN230736.
Hereditary cancer-predisposing syndrome. Also called: Hereditary Cancer Syndrome; Hereditary neoplastic syndrome; Neoplastic Syndromes, Hereditary; Tumor predisposition. Identifiers: Orphanet 140162, MedGen C0027672, MeSH D009386, MONDO:0015356.

Submission:

Ambry Genetics
Classification: Uncertain significance for Cardiovascular phenotype; Hereditary cancer-predisposing syndrome. Last evaluated: 2022-09-05. Review status: criteria provided, single submitter. Criteria: Ambry Variant Classification Scheme 2023. Collection method: clinical testing. Allele origin: germline.
Comment: The p.P47S variant (also known as c.139C>T), located in coding exon 1 of the LZTR1 gene, results from a C to T substitution at nucleotide position 139. The proline at codon 47 is replaced by serine, an amino acid with similar properties. This amino acid position is conserved. In addition, this alteration is predicted to be tolerated by in silico analysis. Since supporting evidence is limited at this time, the clinical significance of this alteration remains unclear.